The following is an entry in ClinVar:

ClinVar aggregate classification (germline): Uncertain significance (1 of 4 stars; one submission).

Conditions:
Autosomal dominant hypocalcemia 1 (HYPOC1). Also called: HYPOCALCEMIA, FAMILIAL. Identifiers: MedGen C3715128, MONDO:0011013, OMIM 601198.
Familial hypocalciuric hypercalcemia (FHH). Also called: Familial benign hypercalcemia. Identifiers: Orphanet 405, MedGen C1809471, MONDO:0018458.

Submission:

Labcorp Genetics (formerly Invitae), Labcorp
Classification: Uncertain significance for Familial hypocalciuric hypercalcemia; Autosomal dominant hypocalcemia 1. Last evaluated: 2025-03-04. Review status: criteria provided, single submitter. Criteria: Invitae Variant Classification Sherloc (09022015). Collection method: clinical testing. Allele origin: germline.
Comment: This sequence change replaces leucine, which is neutral and non-polar, with proline, which is neutral and non-polar, at codon 276 of the CASR protein (p.Leu276Pro). This variant is not present in population databases (gnomAD no frequency). This variant has not been reported in the literature in individuals affected with CASR-related conditions. An algorithm developed to predict the effect of missense changes on protein structure and function (PolyPhen-2) suggests that this variant is likely to be disruptive. In summary, the available evidence is currently insufficient to determine the role of this variant in disease. Therefore, it has been classified as a Variant of Uncertain Significance.

NM_000388.4(CASR):c.827T>C (p.Leu276Pro)

Gene: CASR (calcium sensing receptor; plus strand). Cytogenetic location: 3q21.1.
Variant type: single nucleotide variant.
Coding change: c.827T>C on transcript NM_000388.4 (MANE Select); coding-DNA position 827, T replaced by C.
Protein change: p.Leu276Pro; replaces leucine 276 with proline.
Molecular consequence: missense variant.
Genome position (GRCh38, 1-based): chr3:122,261,862, T>C. VCF-style: chr3-122261862-T-C. GRCh37 (hg19) VCF-style: chr3-121980709-T-C.
Other names: c.827T>C, p.Leu276Pro (NM_001178065.2); short protein forms L276P.
Identifiers: ClinVar variation 4784332 (VCV004784332.1).